The following is an entry in ClinVar:

ClinVar aggregate classification (germline): Uncertain significance (1 of 4 stars; one submission).

Submission:

Women's Health and Genetics/Laboratory Corporation of America, LabCorp
Classification: Uncertain significance. Last evaluated: 2024-08-12. Review status: criteria provided, single submitter. Criteria: LabCorp Variant Classification Summary - May 2015. Collection method: clinical testing. Allele origin: germline.
Comment: Variant summary: GALT c.308A>G (p.Gln103Arg) results in a conservative amino acid change located in the Galactose-1-phosphate uridyl transferase, N-terminal domain (IPR005849) of the encoded protein sequence. Three of five in-silico tools predict a benign effect of the variant on protein function. The variant was absent in 251496 control chromosomes. c.308A>G has been reported in the literature in at-least one homozygous individual affected with Galactosemia, and the patient was reported to have ~20% of normal Average GALT activity (Sing_2012). The following publication has been ascertained in the context of this evaluation (PMID: 23022339). No submitters have cited clinical-significance assessments for this variant to ClinVar. Based on the evidence outlined above, the variant was classified as VUS-possibly pathogenic.

Literature cited by the submitters: PubMed 23022339.

NM_000155.4(GALT):c.308A>G (p.Gln103Arg)

Gene: GALT (galactose-1-phosphate uridylyltransferase; plus strand). Cytogenetic location: 9p13.3.
Variant type: single nucleotide variant.
Coding change: c.308A>G on transcript NM_000155.4 (MANE Select); coding-DNA position 308, A replaced by G.
Protein change: p.Gln103Arg; replaces glutamine 103 with arginine.
Molecular consequence: missense variant. On other transcripts: intron variant (1).
Genome position (GRCh38, 1-based): chr9:34,647,547, A>G. VCF-style: chr9-34647547-A-G. GRCh37 (hg19) VCF-style: chr9-34647544-A-G.
Other names: c.51-285A>G (NM_001258332.2).
Identifiers: ClinVar variation 3366320 (VCV003366320.1), dbSNP rs367543252.
Genomic context (GRCh38, chr9:34,647,547, plus strand): 5'-GGTAGGTGAATCCCCAGTACGATAGCACCTTCCTGTTTGACAACGACTTCCCAGCTCTGC[A>G]GCCTGATGCCCCCAGTCCAGGTAACCTGGCTCCAACTGCTGCTGGGGAGGAGGGTGGCTA-3'
Protein context (NP_000146.2, residues 93-113): FLFDNDFPAL[Gln103Arg]PDAPSPGPSD